The following is an entry in ClinVar:

NM_000428.3(LTBP2):c.2562C>A (p.Asn854Lys)

Gene: LTBP2 (latent transforming growth factor beta binding protein 2; minus strand). Cytogenetic location: 14q24.3.
Variant type: single nucleotide variant.
Coding change: c.2562C>A on transcript NM_000428.3 (MANE Select); coding-DNA position 2562, C replaced by A.
Protein change: p.Asn854Lys; replaces asparagine 854 with lysine.
Molecular consequence: missense variant.
Genome position (GRCh38, 1-based): chr14:74,522,887, G>T on the plus strand (C>A on the coding strand, the complement: LTBP2 is on the minus strand). VCF-style: chr14-74522887-G-T. GRCh37 (hg19) VCF-style: chr14-74989590-G-T.
Other names: short protein forms N854K.
Identifiers: ClinVar variation 1354937 (VCV001354937.3), dbSNP rs374031899, ClinGen allele CA7269457.

ClinVar aggregate classification (germline): Uncertain significance (1 of 4 stars; one submission).

gnomAD v4.1: 6 of 1,612,448 alleles (0.00037%); highest among the groups gnomAD compares: African/African-American, 0.0027%; no homozygotes.

Submission:

Labcorp Genetics (formerly Invitae), Labcorp
Classification: Uncertain significance. Last evaluated: 2022-08-05. Review status: criteria provided, single submitter. Criteria: Invitae Variant Classification Sherloc (09022015). Collection method: clinical testing. Allele origin: germline.
Comment: This sequence change replaces asparagine, which is neutral and polar, with lysine, which is basic and polar, at codon 854 of the LTBP2 protein (p.Asn854Lys). The frequency data for this variant in the population databases is considered unreliable, as metrics indicate poor data quality at this position in the gnomAD database. This variant has not been reported in the literature in individuals affected with LTBP2-related conditions. ClinVar contains an entry for this variant (Variation ID: 1354937). Algorithms developed to predict the effect of missense changes on protein structure and function (SIFT, PolyPhen-2, Align-GVGD) all suggest that this variant is likely to be disruptive. In summary, the available evidence is currently insufficient to determine the role of this variant in disease. Therefore, it has been classified as a Variant of Uncertain Significance.